The following is an entry in ClinVar:

ClinVar aggregate classification (germline): Uncertain significance. Review status: criteria provided, multiple submitters, no conflicts (2 of 4 stars). 2 submissions from 2 submitters: Uncertain significance (2). Last evaluated 2026-05-14.

Conditions:
Colorectal cancer, hereditary nonpolyposis, type 7. Identifiers: Orphanet 144, MedGen C1858380, MONDO:0013725, OMIM 614385.

Allele frequency attached by ClinVar (database versions not stated): gnomAD exomes below 0.00001.
gnomAD v4.1: 2 of 1,614,178 alleles (0.00012%); highest among the groups gnomAD compares: Non-Finnish European, 0.00017%; no homozygotes.

Submissions (2):

Ambry Genetics
Classification: Uncertain significance. Last evaluated: 2026-05-14. Review status: criteria provided, single submitter. Criteria: Ambry Variant Classification Scheme 2023. Collection method: clinical testing. Allele origin: germline.
Comment: The p.C804Y variant (also known as c.2411G>A), located in coding exon 1 of the MLH3 gene, results from a G to A substitution at nucleotide position 2411. The cysteine at codon 804 is replaced by tyrosine, an amino acid with highly dissimilar properties. This amino acid position is conserved. In addition, this alteration is predicted to be tolerated by in silico analysis. Based on the available evidence, the clinical significance of this variant remains unclear.

Labcorp Genetics (formerly Invitae), Labcorp
Classification: Uncertain significance for Colorectal cancer, hereditary nonpolyposis, type 7. Last evaluated: 2021-01-16. Review status: criteria provided, single submitter. Criteria: Invitae Variant Classification Sherloc (09022015). Collection method: clinical testing. Allele origin: germline.
Comment: This sequence change replaces cysteine with tyrosine at codon 804 of the MLH3 protein (p.Cys804Tyr). The cysteine residue is weakly conserved and there is a large physicochemical difference between cysteine and tyrosine. This variant is not present in population databases (ExAC no frequency). This variant has not been reported in the literature in individuals with MLH3-related conditions. Algorithms developed to predict the effect of missense changes on protein structure and function output the following: SIFT: "Tolerated"; PolyPhen-2: "Benign"; Align-GVGD: "Class C0". The tyrosine amino acid residue is found in multiple mammalian species, suggesting that this missense change does not adversely affect protein function. These predictions have not been confirmed by published functional studies and their clinical significance is uncertain. In summary, the available evidence is currently insufficient to determine the role of this variant in disease. Therefore, it has been classified as a Variant of Uncertain Significance.

NM_001040108.2(MLH3):c.2411G>A (p.Cys804Tyr)

Gene: MLH3 (mutL homolog 3; minus strand). Cytogenetic location: 14q24.3.
Variant type: single nucleotide variant.
Coding change: c.2411G>A on transcript NM_001040108.2 (MANE Select); coding-DNA position 2411, G replaced by A.
Protein change: p.Cys804Tyr; replaces cysteine 804 with tyrosine.
Molecular consequence: missense variant.
Genome position (GRCh38, 1-based): chr14:75,047,245, C>T on the plus strand (G>A on the coding strand, the complement: MLH3 is on the minus strand). VCF-style: chr14-75047245-C-T. GRCh37 (hg19) VCF-style: chr14-75513948-C-T.
Other names: c.2411G>A, p.Cys804Tyr (NM_014381.3); c.2411G>A (NM_001040108.1); short protein forms C804Y.
Identifiers: ClinVar variation 1436376 (VCV001436376.9), dbSNP rs2139563242, ClinGen allele CA390440690.
Genomic context (GRCh38, chr14:75,047,245, plus strand): 5'-ATGTGGCTTGCTGGTTGACAACTACTATCTGAATCACTATGCTCCATAGTAGTGATTTTA[C>T]AAACATCAGAGTTCTCTAAGCGGTTCTTGTCCTTCAGCAGAATGTCAGGTTCAACTTGAA-3'
Protein context (NP_001035197.1, residues 794-814): DKNRLENSDV[Cys804Tyr]KITTMEHSDS